The following is an entry in ClinVar:

NM_015425.6(POLR1A):c.4456C>G (p.Pro1486Ala)

Gene: POLR1A (RNA polymerase I subunit A; minus strand). Cytogenetic location: 2p11.2.
Variant type: single nucleotide variant.
Coding change: c.4456C>G on transcript NM_015425.6 (MANE Select); coding-DNA position 4456, C replaced by G.
Protein change: p.Pro1486Ala; replaces proline 1486 with alanine.
Molecular consequence: missense variant.
Genome position (GRCh38, 1-based): chr2:86,031,452, G>C on the plus strand (C>G on the coding strand, the complement: POLR1A is on the minus strand). VCF-style: chr2-86031452-G-C. GRCh37 (hg19) VCF-style: chr2-86258575-G-C.
Other names: short protein forms P1486A.
Identifiers: ClinVar variation 2700853 (VCV002700853.3), dbSNP rs1672386979, ClinGen allele CA347546510.
Genomic context (GRCh38, chr2:86,031,452, plus strand): 5'-GCACAGCCTGGACCCGGCGCTCCATGGCCTCGGGCCCCTGGGGCTCCTGGCTGTGGGTGG[G>C]TTTCCGGGGCTGCGTCAGGAGGGCGGGAAGGGACGGGTCCTCCTCAGTGCCTAAGCCCAC-3'
Protein context (NP_056240.2, residues 1476-1496): LPALLTQPRK[Pro1486Ala]THSQEPQGPE

ClinVar aggregate classification (germline): Uncertain significance (1 of 4 stars; one submission).

gnomAD v4.1: 1 of 1,614,194 alleles (0.000062%); highest among the groups gnomAD compares: South Asian, 0.0011%; no homozygotes.

Submission:

Labcorp Genetics (formerly Invitae), Labcorp
Classification: Uncertain significance. Last evaluated: 2023-06-09. Review status: criteria provided, single submitter. Criteria: Invitae Variant Classification Sherloc (09022015). Collection method: clinical testing. Allele origin: germline.
Comment: In summary, the available evidence is currently insufficient to determine the role of this variant in disease. Therefore, it has been classified as a Variant of Uncertain Significance. Advanced modeling of protein sequence and biophysical properties (such as structural, functional, and spatial information, amino acid conservation, physicochemical variation, residue mobility, and thermodynamic stability) performed at Invitae indicates that this missense variant is not expected to disrupt POLR1A protein function. This variant has not been reported in the literature in individuals affected with POLR1A-related conditions. This variant is not present in population databases (gnomAD no frequency). This sequence change replaces proline, which is neutral and non-polar, with alanine, which is neutral and non-polar, at codon 1486 of the POLR1A protein (p.Pro1486Ala).